The following is an entry in ClinVar:

NM_001042492.3(NF1):c.1876del (p.Leu626fs)

Gene: NF1 (neurofibromin 1; plus strand). Cytogenetic location: 17q11.2.
Variant type: Deletion.
Coding change: c.1876del on transcript NM_001042492.3 (MANE Select); coding-DNA position 1876, one base deleted (C; older notation c.1876delC).
Protein change: p.Leu626fs; shifts the reading frame from leucine 626.
Molecular consequence: frameshift variant.
Genome position (GRCh38, 1-based): chr17:31,225,125, C deleted; the last of 2 consecutive C bases (chr17:31,225,124-31,225,125); deleting either gives the same sequence. VCF-style (leftmost placement, unchanged base first): chr17-31225123-TC-T. GRCh37 (hg19) VCF-style: chr17-29552141-TC-T.
Other names: c.1876delC (NM_000267.3); c.1876delC, p.Leu626Phefs (NM_000267.4); short protein forms L626fs.
Identifiers: ClinVar variation 820244 (VCV000820244.8), dbSNP rs1597710409, ClinGen allele CA915949752.

ClinVar aggregate classification (germline): Pathogenic/Likely pathogenic. Review status: criteria provided, multiple submitters, no conflicts (2 of 4 stars). 3 submissions from 3 submitters: Pathogenic (2); Likely pathogenic (1). Last evaluated 2023-05-04.

Conditions:
Neurofibromatosis, type 1 (NF1). Also called: Peripheral type neurofibromatosis; Neurofibromatosis, type I; NEUROFIBROMATOSIS, TYPE I, SOMATIC; VON RECKLINGHAUSEN DISEASE. Identifiers: Orphanet 636, MedGen C0027831, MONDO:0018975, OMIM 162200. Disease mechanism: loss of function.
Hereditary cancer-predisposing syndrome. Also called: Hereditary Cancer Syndrome; Neoplastic Syndromes, Hereditary; Hereditary neoplastic syndrome; Tumor predisposition. Identifiers: Orphanet 140162, MedGen C0027672, MeSH D009386, MONDO:0015356.
Cardiovascular phenotype. Identifiers: MedGen CN230736.
Juvenile myelomonocytic leukemia (JMML). Also called: LEUKEMIA, JUVENILE MYELOMONOCYTIC, SOMATIC. Identifiers: Orphanet 86834, MedGen C0349639, MONDO:0011908, OMIM 607785, HP:0012209.

Submissions (3):

Labcorp Genetics (formerly Invitae), Labcorp
Classification: Pathogenic for Neurofibromatosis, type 1. Last evaluated: 2023-05-04. Review status: criteria provided, single submitter. Criteria: Invitae Variant Classification Sherloc (09022015). Collection method: clinical testing. Allele origin: germline.
Comment: This variant is not present in population databases (gnomAD no frequency). For these reasons, this variant has been classified as Pathogenic. Algorithms developed to predict the effect of sequence changes on RNA splicing suggest that this variant may create or strengthen a splice site. ClinVar contains an entry for this variant (Variation ID: 820244). This variant has not been reported in the literature in individuals affected with NF1-related conditions. This sequence change creates a premature translational stop signal (p.Leu626Phefs*5) in the NF1 gene. It is expected to result in an absent or disrupted protein product. Loss-of-function variants in NF1 are known to be pathogenic (PMID: 10712197, 23913538).

Baylor Genetics
Classification: Likely pathogenic for Juvenile myelomonocytic leukemia. Last evaluated: 2021-11-04. Review status: criteria provided, single submitter. Criteria: ACMG Guidelines, 2015. Collection method: clinical testing. Allele origin: unknown.

Ambry Genetics
Classification: Pathogenic for Cardiovascular phenotype; Hereditary cancer-predisposing syndrome. Last evaluated: 2018-06-17. Review status: criteria provided, single submitter. Criteria: Ambry Variant Classification Scheme 2023. Collection method: clinical testing. Allele origin: germline.
Comment: The c.1876delC pathogenic mutation, located in coding exon 17 of the NF1 gene, results from a deletion of one nucleotide at nucleotide position 1876, causing a translational frameshift with a predicted alternate stop codon (p.L626Ffs*5). This alteration is expected to result in loss of function by premature protein truncation or nonsense-mediated mRNA decay. As such, this alteration is interpreted as a disease-causing mutation.

Literature cited by the submitters: PubMed 10712197 (cited by Labcorp Genetics (formerly Invitae), Labcorp); PubMed 23913538 (cited by Labcorp Genetics (formerly Invitae), Labcorp).